The following is an entry in ClinVar:

ClinVar aggregate classification (germline): Uncertain significance. Review status: criteria provided, multiple submitters, no conflicts (2 of 4 stars). 4 submissions from 4 submitters: Uncertain significance (4). Last evaluated 2025-03-04.

Conditions:
Hereditary cancer-predisposing syndrome. Also called: Hereditary Cancer Syndrome; Tumor predisposition; Neoplastic Syndromes, Hereditary; Hereditary neoplastic syndrome. Identifiers: Orphanet 140162, MedGen C0027672, MeSH D009386, MONDO:0015356.
Hereditary pheochromocytoma and paraganglioma. Also called: Hereditary paragangliomas and pheochromocytomas; Hereditary Paraganglioma-Pheochromocytoma Syndromes; Hereditary pheochromocytoma-paraganglioma. Identifiers: Orphanet 29072, MedGen C4274332, MONDO:0017366.
Gastrointestinal stromal tumor. Also called: Gastrointestinal stromal tumor, somatic; Gastrointestinal stroma tumor. Identifiers: Orphanet 44890, MedGen C0238198, MeSH D046152, MONDO:0011719, OMIM 606764, HP:0100723.
Pheochromocytoma/paraganglioma syndrome 3. Also called: SDHC-Related Hereditary Paraganglioma-Pheochromocytoma Syndrome (Paragangliomas 3); SDHC-Related Hereditary Paraganglioma-Pheochromocytoma Syndrome; Paragangliomas 3; GLOMUS TUMORS, FAMILIAL, 3. Identifiers: Orphanet 29072, MedGen C1854336, MONDO:0011544, OMIM 605373.

gnomAD v4.1: 4 of 1,610,064 alleles (0.00025%); highest among the groups gnomAD compares: South Asian, 0.0044%; no homozygotes.

Submissions (4):

Center for Genomic Medicine, Rigshospitalet, Copenhagen University Hospital
Classification: Uncertain significance. Last evaluated: 2025-03-04. Review status: criteria provided, single submitter. Criteria: ACMG Guidelines, 2015. Collection method: clinical testing. Allele origin: germline.

Ambry Genetics
Classification: Uncertain significance for Hereditary cancer-predisposing syndrome. Last evaluated: 2024-11-23. Review status: criteria provided, single submitter. Criteria: Ambry Variant Classification Scheme 2023. Collection method: clinical testing. Allele origin: germline.
Comment: The p.V28I variant (also known as c.82G>A), located in coding exon 3 of the SDHC gene, results from a G to A substitution at nucleotide position 82. The valine at codon 28 is replaced by isoleucine, an amino acid with highly similar properties. This amino acid position is conserved. In addition, the in silico prediction for this alteration is inconclusive. Since supporting evidence is limited at this time, the clinical significance of this alteration remains unclear.

All of Us Research Program, National Institutes of Health
Classification: Uncertain significance for Hereditary pheochromocytoma and paraganglioma. Last evaluated: 2024-08-06. Review status: criteria provided, single submitter. Criteria: ACMG Guidelines, 2015. Collection method: clinical testing. Allele origin: germline. Inheritance: Autosomal dominant inheritance. Observed: 3 variant alleles, 3 heterozygotes.
Comment: This study involves interpretation of variants in research participants for the purpose of population health screening. Participant phenotype was not available at the time of variant classification. Additional details can be found in publication PMID: 35346344, PMCID: PMC8962531

Labcorp Genetics (formerly Invitae), Labcorp
Classification: Uncertain significance for Pheochromocytoma/paraganglioma syndrome 3; Gastrointestinal stromal tumor. Last evaluated: 2022-05-11. Review status: criteria provided, single submitter. Criteria: Invitae Variant Classification Sherloc (09022015). Collection method: clinical testing. Allele origin: germline.
Comment: This sequence change replaces valine, which is neutral and non-polar, with isoleucine, which is neutral and non-polar, at codon 28 of the SDHC protein (p.Val28Ile). This variant is not present in population databases (gnomAD no frequency). This variant has not been reported in the literature in individuals affected with SDHC-related conditions. ClinVar contains an entry for this variant (Variation ID: 640580). Algorithms developed to predict the effect of missense changes on protein structure and function output the following: SIFT: "Tolerated"; PolyPhen-2: "Benign"; Align-GVGD: "Class C0". The isoleucine amino acid residue is found in multiple mammalian species, which suggests that this missense change does not adversely affect protein function. In summary, the available evidence is currently insufficient to determine the role of this variant in disease. Therefore, it has been classified as a Variant of Uncertain Significance.

NM_003001.5(SDHC):c.82G>A (p.Val28Ile)

Gene: SDHC (succinate dehydrogenase complex subunit C; plus strand). Cytogenetic location: 1q23.3.
Variant type: single nucleotide variant.
Coding change: c.82G>A on transcript NM_003001.5 (MANE Select); coding-DNA position 82, G replaced by A.
Protein change: p.Val28Ile; replaces valine 28 with isoleucine.
Molecular consequence: missense variant. On other transcripts: 5 prime UTR variant (2), non-coding transcript variant (1), intron variant (4).
Genome position (GRCh38, 1-based): chr1:161,328,400, G>A. VCF-style: chr1-161328400-G-A. GRCh37 (hg19) VCF-style: chr1-161298190-G-A.
Other names: c.82G>A, p.Val28Ile (NM_001035511.3, NM_001407115.1); c.25G>A, p.Val9Ile (NM_001407116.1, NM_001407117.1, NM_001407121.1); c.-30G>A (NM_001407119.1, NM_001407120.1); c.77+4730G>A (NM_001035512.3, NM_001278172.3, NM_001407118.1); c.21-12194G>A (NM_001035513.3); short protein forms V28I, V9I.
Identifiers: ClinVar variation 640580 (VCV000640580.15), dbSNP rs754818119, ClinGen allele CA343360829.